The following is an entry in ClinVar:

NM_015512.5(DNAH1):c.2354C>T (p.Thr785Ile)

Gene: DNAH1 (dynein axonemal heavy chain 1; plus strand). Cytogenetic location: 3p21.1.
Variant type: single nucleotide variant.
Coding change: c.2354C>T on transcript NM_015512.5 (MANE Select); coding-DNA position 2354, C replaced by T.
Protein change: p.Thr785Ile; replaces threonine 785 with isoleucine.
Molecular consequence: missense variant.
Genome position (GRCh38, 1-based): chr3:52,349,248, C>T. VCF-style: chr3-52349248-C-T. GRCh37 (hg19) VCF-style: chr3-52383264-C-T.
Other names: short protein forms T785I.
Identifiers: ClinVar variation 4660730 (VCV004660730.2).

ClinVar aggregate classification (germline): Uncertain significance. Review status: criteria provided, multiple submitters, no conflicts (2 of 4 stars). 2 submissions from 2 submitters: Uncertain significance (2). Last evaluated 2025-12-11.

Conditions:
Spermatogenic failure 18. Identifiers: MedGen C4539783, MONDO:0054615, OMIM 617576.
Ciliary dyskinesia, primary, 37 (CILD37). Also called: CILIARY DYSKINESIA, PRIMARY, 37, WITH OR WITHOUT SITUS INVERSUS. Identifiers: MedGen C4539798, MONDO:0033204, OMIM 617577.

gnomAD v4.1: 26 of 1,613,828 alleles (0.0016%); highest among the groups gnomAD compares: Admixed American, 0.01%; no homozygotes.

Submissions (2):

Ambry Genetics
Classification: Uncertain significance. Last evaluated: 2025-12-11. Review status: criteria provided, single submitter. Criteria: Ambry Variant Classification Scheme 2023. Collection method: clinical testing. Allele origin: germline.

Labcorp Genetics (formerly Invitae), Labcorp
Classification: Uncertain significance for Ciliary dyskinesia, primary, 37; Spermatogenic failure 18. Last evaluated: 2025-02-13. Review status: criteria provided, single submitter. Criteria: Invitae Variant Classification Sherloc (09022015). Collection method: clinical testing. Allele origin: germline.
Comment: This sequence change replaces threonine, which is neutral and polar, with isoleucine, which is neutral and non-polar, at codon 785 of the DNAH1 protein (p.Thr785Ile). The frequency data for this variant in the population databases is considered unreliable, as metrics indicate poor data quality at this position in the gnomAD database. This variant has not been reported in the literature in individuals affected with DNAH1-related conditions. Invitae Evidence Modeling of protein sequence and biophysical properties (such as structural, functional, and spatial information, amino acid conservation, physicochemical variation, residue mobility, and thermodynamic stability) indicates that this missense variant is not expected to disrupt DNAH1 protein function with a negative predictive value of 80%. In summary, the available evidence is currently insufficient to determine the role of this variant in disease. Therefore, it has been classified as a Variant of Uncertain Significance.